The following is an entry in ClinVar:

ClinVar aggregate classification (germline): Uncertain significance (1 of 4 stars; one submission).

Conditions:
Cardiac arrhythmia. Also called: Cardiac rhythm disease; Arrhythmia. Identifiers: MedGen C0003811, MONDO:0007263, HP:0011675.

Submission:

Color Diagnostics, LLC DBA Color Health
Classification: Uncertain significance for Arrhythmia. Last evaluated: 2018-08-28. Review status: criteria provided, single submitter. Criteria: ACMG Guidelines, 2015. Collection method: clinical testing. Allele origin: germline.
Comment: Variant of Uncertain Significance due to insufficient evidence: This missense variant is located in the cytoplasmic domain of the KCNH2 protein. Computational prediction tools and conservation analyses suggest that this variant may have deleterious impact on the protein function. Computational splicing tools suggest that this variant may not impact the RNA splicing. To our knowledge, functional assays have not been performed for this variant nor has this variant been reported in individuals affected with cardiovascular disorders in the literature. This variant is rare in the general population and has been identified in 0/277264 chromosomes by the Genome Aggregation Database (gnomAD). Available evidence is insufficient to determine the pathogenicity of this variant conclusively.

NM_000238.4(KCNH2):c.3224C>A (p.Pro1075Gln)

Gene: KCNH2 (potassium voltage-gated channel subfamily H member 2; minus strand). Cytogenetic location: 7q36.1.
Variant type: single nucleotide variant.
Coding change: c.3224C>A on transcript NM_000238.4 (MANE Select); coding-DNA position 3224, C replaced by A.
Protein change: p.Pro1075Gln; replaces proline 1075 with glutamine.
Molecular consequence: missense variant.
Genome position (GRCh38, 1-based): chr7:150,946,983, G>T on the plus strand (C>A on the coding strand, the complement: KCNH2 is on the minus strand). VCF-style: chr7-150946983-G-T. GRCh37 (hg19) VCF-style: chr7-150644071-G-T.
Other names: c.2204C>A, p.Pro735Gln (NM_172057.3); short protein forms P1075Q, P735Q.
Identifiers: ClinVar variation 629130 (VCV000629130.4), dbSNP rs199473028, ClinGen allele CA369852187.